The following is an entry in ClinVar:

NM_138694.4(PKHD1):c.778+10C>G

Gene: PKHD1 (PKHD1 ciliary IPT domain containing fibrocystin/polyductin; minus strand). Cytogenetic location: 6p12.2.
Variant type: single nucleotide variant.
Coding change: c.778+10C>G on transcript NM_138694.4 (MANE Select); 10 bases into the intron after coding-DNA position 778, C replaced by G.
Molecular consequence: intron variant.
Genome position (GRCh38, 1-based): chr6:52,069,447, G>C on the plus strand (C>G on the coding strand, the complement: PKHD1 is on the minus strand). VCF-style: chr6-52069447-G-C. GRCh37 (hg19) VCF-style: chr6-51934245-G-C.
Other names: c.778+10C>G (NM_138694.3, NM_170724.3).
Identifiers: ClinVar variation 499614 (VCV000499614.15), dbSNP rs1365502451, ClinGen allele CA658796776.

ClinVar aggregate classification (germline): Conflicting classifications of pathogenicity. Review status: criteria provided, conflicting classifications (1 of 4 stars). 3 submissions from 3 submitters: Uncertain significance (1); Likely benign (1). 1 of the submissions does not count toward it. Last evaluated 2025-09-30.

Conditions:
PKHD1-related disorder. Also called: PKHD1-related condition.
Autosomal recessive polycystic kidney disease (ARPKD). Also called: AR polycystic kidney disease. Identifiers: Orphanet 731, Orphanet 8378, MedGen C0085548, MeSH D017044, MONDO:0009889.

Allele frequency attached by ClinVar (database versions not stated): TOPMed 0.00001; gnomAD exomes 0.00002.
gnomAD v4.1: 24 of 1,591,774 alleles (0.0015%); highest among the groups gnomAD compares: Non-Finnish European, 0.002%; no homozygotes.

Submissions (3):

Labcorp Genetics (formerly Invitae), Labcorp
Classification: Likely benign for Autosomal recessive polycystic kidney disease. Last evaluated: 2025-09-30. Review status: criteria provided, single submitter. Criteria: Invitae Variant Classification Sherloc (09022015). Collection method: clinical testing. Allele origin: germline.

Eurofins Ntd Llc (ga)
Classification: Uncertain significance. Last evaluated: 2017-01-03. Review status: criteria provided, single submitter. Criteria: EGL Classification Definitions 2015. Collection method: clinical testing. Allele origin: germline. Observed: 1 variant allele, 1 heterozygote.

PreventionGenetics, part of Exact Sciences
Classification: Likely benign for PKHD1-related condition. Last evaluated: 2022-03-02. Review status: no assertion criteria provided. Collection method: clinical testing. Allele origin: germline. Not counted in ClinVar's aggregate classification.
Comment: This variant is classified as likely benign based on ACMG/AMP sequence variant interpretation guidelines (Richards et al. 2015 PMID: 25741868, with internal and published modifications).